The following is an entry in ClinVar:

NM_000448.3(RAG1):c.598G>A (p.Val200Met)

Gene: RAG1 (recombination activating 1; plus strand). Cytogenetic location: 11p12.
Variant type: single nucleotide variant.
Coding change: c.598G>A on transcript NM_000448.3 (MANE Select); coding-DNA position 598, G replaced by A.
Protein change: p.Val200Met; replaces valine 200 with methionine.
Molecular consequence: missense variant.
Genome position (GRCh38, 1-based): chr11:36,573,902, G>A. VCF-style: chr11-36573902-G-A. GRCh37 (hg19) VCF-style: chr11-36595452-G-A.
Other names: c.598G>A, p.Val200Met (NM_001377277.1, NM_001377278.1, NM_001377279.1 and 1 more transcripts); c.598G>A (NM_000448.2); short protein forms V200M.
Identifiers: ClinVar variation 1357399 (VCV001357399.7), dbSNP rs1232282131, ClinGen allele CA380147086.

ClinVar aggregate classification (germline): Uncertain significance. Review status: criteria provided, multiple submitters, no conflicts (2 of 4 stars). 2 submissions from 2 submitters: Uncertain significance (2). Last evaluated 2025-01-24.

Conditions:
Severe combined immunodeficiency, autosomal recessive, T cell-negative, B cell-negative, NK cell-positive. Also called: SCID, T CELL-NEGATIVE, B CELL-NEGATIVE, NK CELL-POSITIVE; Severe combined immunodeficiency due to complete RAG1/2 deficiency; SCID, AR, T-cell negative, B-cell negative, NK cell-positive. Identifiers: Orphanet 331206, MedGen C1832322, MONDO:0011086, OMIM 601457.
Combined immunodeficiency with skin granulomas. Identifiers: Orphanet 157949, MedGen C2673536, MONDO:0009306, OMIM 233650.
Inborn genetic diseases. Identifiers: MedGen C0950123, MeSH D030342.

Allele frequency attached by ClinVar (database versions not stated): gnomAD exomes 0.00001; gnomAD 0.00002 and 0.00004; TOPMed 0.00002.
gnomAD v4.1: 20 of 1,613,976 alleles (0.0012%); highest among the groups gnomAD compares: African/African-American, 0.011%; no homozygotes.

Submissions (2):

Ambry Genetics
Classification: Uncertain significance for Inborn genetic diseases. Last evaluated: 2025-01-24. Review status: criteria provided, single submitter. Criteria: Ambry Variant Classification Scheme 2023. Collection method: clinical testing. Allele origin: germline.

Labcorp Genetics (formerly Invitae), Labcorp
Classification: Uncertain significance for Combined immunodeficiency with skin granulomas; Severe combined immunodeficiency, autosomal recessive, T cell-negative, B cell-negative, NK cell-positive. Last evaluated: 2024-07-12. Review status: criteria provided, single submitter. Criteria: Invitae Variant Classification Sherloc (09022015). Collection method: clinical testing. Allele origin: germline.
Comment: This sequence change replaces valine, which is neutral and non-polar, with methionine, which is neutral and non-polar, at codon 200 of the RAG1 protein (p.Val200Met). This variant is present in population databases (no rsID available, gnomAD 0.008%). This variant has not been reported in the literature in individuals affected with RAG1-related conditions. ClinVar contains an entry for this variant (Variation ID: 1357399). Advanced modeling of protein sequence and biophysical properties (such as structural, functional, and spatial information, amino acid conservation, physicochemical variation, residue mobility, and thermodynamic stability) performed at Invitae indicates that this missense variant is not expected to disrupt RAG1 protein function with a negative predictive value of 80%. In summary, the available evidence is currently insufficient to determine the role of this variant in disease. Therefore, it has been classified as a Variant of Uncertain Significance.